The following is an entry in ClinVar:

NM_018060.4(IARS2):c.2111A>G (p.Asn704Ser)

Gene: IARS2 (isoleucyl-tRNA synthetase 2, mitochondrial; plus strand). Cytogenetic location: 1q41.
Variant type: single nucleotide variant.
Coding change: c.2111A>G on transcript NM_018060.4 (MANE Select); coding-DNA position 2111, A replaced by G.
Protein change: p.Asn704Ser; replaces asparagine 704 with serine.
Molecular consequence: missense variant.
Genome position (GRCh38, 1-based): chr1:220,137,979, A>G. VCF-style: chr1-220137979-A-G. GRCh37 (hg19) VCF-style: chr1-220311321-A-G.
Other names: p.Asn704Ser; short protein forms N704S.
Identifiers: ClinVar variation 1344973 (VCV001344973.7), dbSNP rs138738853, ClinGen allele CA1401686.

ClinVar aggregate classification (germline): Uncertain significance. Review status: criteria provided, multiple submitters, no conflicts (2 of 4 stars). 4 submissions from 4 submitters: Uncertain significance (4). Last evaluated 2026-01-02.

Conditions:
Inborn genetic diseases. Identifiers: MedGen C0950123, MeSH D030342.

Allele frequency attached by ClinVar (database versions not stated): TOPMed 0.00010; ESP Exome Variant Server 0.00023.
gnomAD v4.1: 183 of 1,614,002 alleles (0.011%); highest among the groups gnomAD compares: East Asian, 0.036%; no homozygotes.

Submissions (4):

Labcorp Genetics (formerly Invitae), Labcorp
Classification: Uncertain significance. Last evaluated: 2026-01-02. Review status: criteria provided, single submitter. Criteria: Invitae Variant Classification Sherloc (09022015). Collection method: clinical testing. Allele origin: germline.
Comment: This sequence change replaces asparagine, which is neutral and polar, with serine, which is neutral and polar, at codon 704 of the IARS2 protein (p.Asn704Ser). This variant is present in population databases (rs138738853, gnomAD 0.1%). This variant has not been reported in the literature in individuals affected with IARS2-related conditions. ClinVar contains an entry for this variant (Variation ID: 1344973). An algorithm developed to predict the effect of missense changes on protein structure and function (PolyPhen-2) suggests that this variant is likely to be tolerated. In summary, the available evidence is currently insufficient to determine the role of this variant in disease. Therefore, it has been classified as a Variant of Uncertain Significance.

GeneDx
Classification: Uncertain significance. Last evaluated: 2024-07-11. Review status: criteria provided, single submitter. Criteria: GeneDx Variant Classification Process June 2021. Collection method: clinical testing. Allele origin: germline. Affected: yes.
Comment: In silico analysis indicates that this missense variant does not alter protein structure/function; Has not been previously published as pathogenic or benign to our knowledge

Ambry Genetics
Classification: Uncertain significance for Inborn genetic diseases. Last evaluated: 2024-03-07. Review status: criteria provided, single submitter. Criteria: Ambry Variant Classification Scheme 2023. Collection method: clinical testing. Allele origin: germline.

Mayo Clinic Laboratories, Mayo Clinic
Classification: Uncertain significance. Last evaluated: 2023-10-17. Review status: criteria provided, single submitter. Criteria: ACMG Guidelines, 2015. Collection method: clinical testing. Allele origin: germline. Observed: 1 variant allele.
Comment: BS1